The following is an entry in ClinVar:

ClinVar aggregate classification (germline): Pathogenic (1 of 4 stars; one submission).

Submission:

Labcorp Genetics (formerly Invitae), Labcorp
Classification: Pathogenic. Last evaluated: 2023-09-25. Review status: criteria provided, single submitter. Criteria: Invitae Variant Classification Sherloc (09022015). Collection method: clinical testing. Allele origin: germline.
Comment: This sequence change creates a premature translational stop signal (p.Tyr455*) in the TMC1 gene. It is expected to result in an absent or disrupted protein product. Loss-of-function variants in TMC1 are known to be pathogenic (PMID: 11850618, 22105175). This variant is not present in population databases (gnomAD no frequency). This variant has not been reported in the literature in individuals affected with TMC1-related conditions. Algorithms developed to predict the effect of sequence changes on RNA splicing suggest that this variant may disrupt the consensus splice site. For these reasons, this variant has been classified as Pathogenic.

Literature cited by the submitters: PubMed 11850618; PubMed 22105175.

NM_138691.3(TMC1):c.1365C>A (p.Tyr455Ter)

Gene: TMC1 (transmembrane channel like 1; plus strand). Cytogenetic location: 9q21.13.
Variant type: single nucleotide variant.
Coding change: c.1365C>A on transcript NM_138691.3 (MANE Select); coding-DNA position 1365, C replaced by A.
Protein change: p.Tyr455Ter; replaces tyrosine 455 with a stop codon.
Molecular consequence: nonsense.
Genome position (GRCh38, 1-based): chr9:72,792,026, C>A. VCF-style: chr9-72792026-C-A. GRCh37 (hg19) VCF-style: chr9-75406942-C-A.
Other names: short protein forms Y455*.
Identifiers: ClinVar variation 2763251 (VCV002763251.3), dbSNP rs750724544, ClinGen allele CA373506470.